The following is an entry in ClinVar:

NM_007294.4(BRCA1):c.1440_1441insA (p.Leu481fs)

Gene: BRCA1 (BRCA1 DNA repair associated; minus strand). Cytogenetic location: 17q21.31.
Variant type: Insertion.
Coding change: c.1440_1441insA on transcript NM_007294.4 (MANE Select); coding-DNA positions 1440 to 1441, A inserted.
Protein change: p.Leu481fs; shifts the reading frame from leucine 481.
Molecular consequence: frameshift variant. On other transcripts: intron variant (137).
Genome position: GRCh38 VCF-style: chr17-43094090-G-GT. GRCh37 (hg19) VCF-style: chr17-41246107-G-GT.
Other names: 1559insA; c.1227_1228insA, p.Leu410fs (NM_001407571.1, NM_001407916.1, NM_001407917.1 and 9 more transcripts); c.1440_1441insA, p.Leu481fs (NM_001407581.1, NM_001407582.1, NM_001407583.1 and 30 more transcripts); c.1437_1438insA, p.Leu480fs (NM_001407587.1, NM_001407590.1, NM_001407591.1 and 22 more transcripts); c.1362_1363insA, p.Leu455fs (NM_001407657.1, NM_001407658.1, NM_001407663.1 and 4 more transcripts); c.1359_1360insA, p.Leu454fs (NM_001407659.1, NM_001407660.1, NM_001407661.1 and 1 more transcripts); c.1317_1318insA, p.Leu440fs (NM_001407664.1, NM_001407675.1, NM_001407676.1 and 19 more transcripts); c.1299_1300insA, p.Leu434fs (NM_001407694.1, NM_001407695.1, NM_001407696.1 and 29 more transcripts); and 41 more; short protein forms L481fs, L434fs, L370fs, L410fs, L454fs, L478fs, L185fs, L313fs.
Identifiers: ClinVar variation 125500 (VCV000125500.6), dbSNP rs80357778, ClinGen allele CA000964.

ClinVar aggregate classification (germline): Pathogenic. Review status: reviewed by expert panel (3 of 4 stars). 5 submissions from 5 submitters: Pathogenic (1). 4 of the submissions do not count toward it. Last evaluated 2016-09-08.

Conditions:
Breast and/or ovarian cancer. Identifiers: MedGen CN221562.
Hereditary breast ovarian cancer syndrome. Also called: Hereditary breast and/or ovarian cancer syndrome; Breast and ovarian cancer; Hereditary breast and ovarian cancer syndrome; Hereditary breast and ovarian cancer; Hereditary breast and ovarian cancer syndrome (HBOC); BRCA1- and BRCA2-Associated Hereditary Breast and Ovarian Cancer. Identifiers: Orphanet 145, MedGen C0677776, MeSH D061325, MONDO:0003582. Disease mechanism: loss of function.
Breast-ovarian cancer, familial, susceptibility to, 1 (BROVCA1). Also called: BRCA1 Hereditary Breast and Ovarian Cancer; OVARIAN CANCER, SUSCEPTIBILITY TO. Identifiers: Orphanet 145, MedGen C2676676, MONDO:0011450, OMIM 604370. Disease mechanism: loss of function.

Submissions (5):

Evidence-based Network for the Interpretation of Germline Mutant Alleles (ENIGMA)
Classification: Pathogenic for Breast-ovarian cancer, familial, susceptibility to, 1. Last evaluated: 2016-09-08. Review status: reviewed by expert panel. Criteria: ENIGMA BRCA1/2 Classification Criteria (2015). Collection method: curation. Allele origin: germline.
Comment: Variant allele predicted to encode a truncated non-functional protein.

CHEO Genetics Diagnostic Laboratory, Children's Hospital of Eastern Ontario
Classification: Likely pathogenic for Breast and/or ovarian cancer. Last evaluated: 2020-11-05. Review status: criteria provided, single submitter. Criteria: ACMG Guidelines, 2015. Collection method: clinical testing. Allele origin: germline. Not counted in ClinVar's aggregate classification.

Consortium of Investigators of Modifiers of BRCA1/2 (CIMBA), c/o University of Cambridge
Classification: Pathogenic for Breast-ovarian cancer, familial, susceptibility to, 1. Last evaluated: 2015-10-02. Review status: criteria provided, single submitter. Criteria: CIMBA Mutation Classification guidelines May 2016. Collection method: clinical testing. Allele origin: germline. Not counted in ClinVar's aggregate classification.

Research Molecular Genetics Laboratory, Women's College Hospital, University of Toronto
Classification: Pathogenic for Hereditary breast ovarian cancer syndrome. Last evaluated: 2014-01-31. Review status: no assertion criteria provided. Collection method: research. Allele origin: germline. Affected: yes. Study: The Canadian Open Genetics Repository (COGR). Not counted in ClinVar's aggregate classification.

Breast Cancer Information Core (BIC) (BRCA1)
Classification: Pathogenic for Breast-ovarian cancer, familial 1. Last evaluated: 2002-05-29. Review status: no assertion criteria provided. Collection method: clinical testing. Allele origin: germline. Affected: yes. Observed: 2 variant alleles. Not counted in ClinVar's aggregate classification.